The following is an entry in ClinVar:

NM_025103.4(IFT74):c.1276A>G (p.Asn426Asp)

Gene: IFT74 (intraflagellar transport 74; plus strand). Cytogenetic location: 9p21.2.
Variant type: single nucleotide variant.
Coding change: c.1276A>G on transcript NM_025103.4 (MANE Select); coding-DNA position 1276, A replaced by G.
Protein change: p.Asn426Asp; replaces asparagine 426 with aspartic acid.
Molecular consequence: missense variant.
Genome position (GRCh38, 1-based): chr9:27,048,217, A>G. VCF-style: chr9-27048217-A-G. GRCh37 (hg19) VCF-style: chr9-27048215-A-G.
Other names: c.1276A>G, p.Asn426Asp (NM_001099222.3, NM_001099223.3, NM_001349928.2); c.1276A>G (NM_025103.2); short protein forms N426D.
Identifiers: ClinVar variation 739332 (VCV000739332.11), dbSNP rs186639658, ClinGen allele CA5015620.

ClinVar aggregate classification (germline): Likely benign. Review status: criteria provided, single submitter (1 of 4 stars). 2 submissions from 2 submitters: Likely benign (1). 1 of the submissions does not count toward it. Last evaluated 2025-11-05.

Conditions:
IFT74-related disorder. Also called: IFT74-related condition; IFT74-Related Disorders.

Allele frequency attached by ClinVar (database versions not stated): gnomAD 0.00014 and 0.00017; TOPMed 0.00025; 1000 Genomes Project 0.00040; 1000 Genomes Project 30x 0.00078.
gnomAD v4.1: 99 of 1,608,228 alleles (0.0062%); highest among the groups gnomAD compares: East Asian, 0.21%; no homozygotes.

Submissions (2):

Labcorp Genetics (formerly Invitae), Labcorp
Classification: Likely benign. Last evaluated: 2025-11-05. Review status: criteria provided, single submitter. Criteria: Invitae Variant Classification Sherloc (09022015). Collection method: clinical testing. Allele origin: germline.

PreventionGenetics, part of Exact Sciences
Classification: Likely benign for IFT74-related condition. Last evaluated: 2020-09-03. Review status: no assertion criteria provided. Collection method: clinical testing. Allele origin: germline. Not counted in ClinVar's aggregate classification.
Comment: This variant is classified as likely benign based on ACMG/AMP sequence variant interpretation guidelines (Richards et al. 2015 PMID: 25741868, with internal and published modifications).